The following is an entry in ClinVar:

ClinVar aggregate classification (germline): Uncertain significance (1 of 4 stars; one submission).

Conditions:
STING-associated vasculopathy with onset in infancy. Also called: Sting-associated vasculopathy, infantile-onset. Identifiers: Orphanet 425120, MedGen C4014722, MONDO:0014405, OMIM 615934.

Allele frequency attached by ClinVar (database versions not stated): gnomAD exomes 0.00002 and 0.00001; TOPMed below 0.00001.

Submission:

Labcorp Genetics (formerly Invitae), Labcorp
Classification: Uncertain significance for STING-associated vasculopathy with onset in infancy. Last evaluated: 2025-08-28. Review status: criteria provided, single submitter. Criteria: Invitae Variant Classification Sherloc (09022015). Collection method: clinical testing. Allele origin: germline.
Comment: This sequence change replaces serine, which is neutral and polar, with arginine, which is basic and polar, at codon 213 of the TMEM173 protein (p.Ser213Arg). This variant is present in population databases (no rsID available, gnomAD 0.006%). This variant has not been reported in the literature in individuals affected with TMEM173-related conditions. ClinVar contains an entry for this variant (Variation ID: 650270). Invitae Evidence Modeling of protein sequence and biophysical properties (such as structural, functional, and spatial information, amino acid conservation, physicochemical variation, residue mobility, and thermodynamic stability) indicates that this missense variant is not expected to disrupt TMEM173 protein function with a negative predictive value of 80%. In summary, the available evidence is currently insufficient to determine the role of this variant in disease. Therefore, it has been classified as a Variant of Uncertain Significance.

NM_198282.4(STING1):c.637A>C (p.Ser213Arg)

Gene: STING1 (stimulator of interferon response cGAMP interactor 1; minus strand). Cytogenetic location: 5q31.2.
Variant type: single nucleotide variant.
Coding change: c.637A>C on transcript NM_198282.4 (MANE Select); coding-DNA position 637, A replaced by C.
Protein change: p.Ser213Arg; replaces serine 213 with arginine.
Molecular consequence: missense variant.
Genome position (GRCh38, 1-based): chr5:139,478,392, T>G on the plus strand (A>C on the coding strand, the complement: STING1 is on the minus strand). VCF-style: chr5-139478392-T-G. GRCh37 (hg19) VCF-style: chr5-138857977-T-G.
Other names: c.637A>C, p.Ser213Arg (LRG_1308t1, NM_001301738.2); c.280A>C, p.Ser94Arg (NM_001367258.1); short protein forms S213R, S94R.
Identifiers: ClinVar variation 650270 (VCV000650270.9), dbSNP rs1342489613, ClinGen allele CA361480121.